The following is an entry in ClinVar:

NM_020821.3(VPS13C):c.6839T>C (p.Val2280Ala)

Gene: VPS13C (vacuolar protein sorting 13 homolog C; minus strand). Cytogenetic location: 15q22.2.
Variant type: single nucleotide variant.
Coding change: c.6839T>C on transcript NM_020821.3 (MANE Select); coding-DNA position 6839, T replaced by C.
Protein change: p.Val2280Ala; replaces valine 2280 with alanine.
Molecular consequence: missense variant.
Genome position (GRCh38, 1-based): chr15:61,922,533, A>G on the plus strand (T>C on the coding strand, the complement: VPS13C is on the minus strand). VCF-style: chr15-61922533-A-G. GRCh37 (hg19) VCF-style: chr15-62214732-A-G.
Other names: c.6839T>C, p.Val2280Ala (NM_001018088.3); c.6710T>C, p.Val2237Ala (NM_017684.5, NM_018080.4); short protein forms V2237A, V2280A.
Identifiers: ClinVar variation 1371507 (VCV001371507.6), dbSNP rs1190622606, ClinGen allele CA392685520.

ClinVar aggregate classification (germline): Uncertain significance (1 of 4 stars; one submission).

Allele frequency attached by ClinVar (database versions not stated): gnomAD exomes below 0.00001.
gnomAD v4.1: 2 of 1,614,114 alleles (0.00012%); highest among the groups gnomAD compares: South Asian, 0.0011%; no homozygotes.

Submission:

Labcorp Genetics (formerly Invitae), Labcorp
Classification: Uncertain significance. Last evaluated: 2021-08-01. Review status: criteria provided, single submitter. Criteria: Invitae Variant Classification Sherloc (09022015). Collection method: clinical testing. Allele origin: germline.
Comment: Algorithms developed to predict the effect of missense changes on protein structure and function are either unavailable or do not agree on the potential impact of this missense change (SIFT: "Deleterious"; PolyPhen-2: "Benign"; Align-GVGD: "Class C25"). This variant has not been reported in the literature in individuals affected with VPS13C-related conditions. This variant is not present in population databases (ExAC no frequency). In summary, the available evidence is currently insufficient to determine the role of this variant in disease. Therefore, it has been classified as a Variant of Uncertain Significance. This sequence change replaces valine with alanine at codon 2280 of the VPS13C protein (p.Val2280Ala). The valine residue is moderately conserved and there is a small physicochemical difference between valine and alanine.